The following is an entry in ClinVar:

ClinVar aggregate classification (germline): Uncertain significance (1 of 4 stars; one submission).

Allele frequency attached by ClinVar (database versions not stated): gnomAD 0.00001; TOPMed 0.00001.
gnomAD v4.1: 2 of 1,589,496 alleles (0.00013%); highest among the groups gnomAD compares: Non-Finnish European, 0.00017%; no homozygotes.

Submission:

Labcorp Genetics (formerly Invitae), Labcorp
Classification: Uncertain significance. Last evaluated: 2022-07-29. Review status: criteria provided, single submitter. Criteria: Invitae Variant Classification Sherloc (09022015). Collection method: clinical testing. Allele origin: germline.
Comment: In summary, the available evidence is currently insufficient to determine the role of this variant in disease. Therefore, it has been classified as a Variant of Uncertain Significance. Algorithms developed to predict the effect of missense changes on protein structure and function output the following: SIFT: "Tolerated"; PolyPhen-2: "Benign"; Align-GVGD: "Class C0". The leucine amino acid residue is found in multiple mammalian species, which suggests that this missense change does not adversely affect protein function. This variant has not been reported in the literature in individuals affected with RNF31-related conditions. This variant is not present in population databases (gnomAD no frequency). This sequence change replaces proline, which is neutral and non-polar, with leucine, which is neutral and non-polar, at codon 277 of the RNF31 protein (p.Pro277Leu).

NM_017999.5(RNF31):c.830C>T (p.Pro277Leu)

Gene: RNF31 (ring finger protein 31; plus strand). Cytogenetic location: 14q12.
Variant type: single nucleotide variant.
Coding change: c.830C>T on transcript NM_017999.5 (MANE Select); coding-DNA position 830, C replaced by T.
Protein change: p.Pro277Leu; replaces proline 277 with leucine.
Molecular consequence: missense variant.
Genome position (GRCh38, 1-based): chr14:24,150,081, C>T. VCF-style: chr14-24150081-C-T. GRCh37 (hg19) VCF-style: chr14-24619290-C-T.
Other names: c.377C>T, p.Pro126Leu (NM_001310332.2); short protein forms P126L, P277L.
Identifiers: ClinVar variation 1714068 (VCV001714068.6), dbSNP rs1402118072, ClinGen allele CA389291256.
Genomic context (GRCh38, chr14:24,150,081, plus strand): 5'-GGTGCCACTTCAGCAGGCCATGTCTGCTTTTCCATTACAGTTTACCTGCCTCAGCCCAAC[C>T]ACGGCCCCAGTCGACCTCCCTGCTGGCCCTGGGAGACAGCTCTCTTTCTTCCCCTAATCC-3'
Protein context (NP_060469.4, residues 267-287): LSPSLPASAQ[Pro277Leu]RPQSTSLLAL